The following is an entry in ClinVar:

NM_014159.7(SETD2):c.1798T>G (p.Leu600Val)

Gene: SETD2 (SET domain containing 2, histone lysine methyltransferase; minus strand). Cytogenetic location: 3p21.31.
Variant type: single nucleotide variant.
Coding change: c.1798T>G on transcript NM_014159.7 (MANE Select); coding-DNA position 1798, T replaced by G.
Protein change: p.Leu600Val; replaces leucine 600 with valine.
Molecular consequence: missense variant. On other transcripts: non-coding transcript variant (1).
Genome position (GRCh38, 1-based): chr3:47,122,838, A>C on the plus strand (T>G on the coding strand, the complement: SETD2 is on the minus strand). VCF-style: chr3-47122838-A-C. GRCh37 (hg19) VCF-style: chr3-47164328-A-C.
Other names: c.1666T>G, p.Leu556Val (NM_001349370.3); short protein forms L600V, L556V.
Identifiers: ClinVar variation 1043055 (VCV001043055.10), dbSNP rs372547666, ClinGen allele CA2363630.

ClinVar aggregate classification (germline): Uncertain significance. Review status: criteria provided, multiple submitters, no conflicts (2 of 4 stars). 3 submissions from 3 submitters: Uncertain significance (3). Last evaluated 2022-03-15.

Conditions:
Luscan-Lumish syndrome. Identifiers: Orphanet 597738, MedGen C4085873, MONDO:0014791, OMIM 616831.

Allele frequency attached by ClinVar (database versions not stated): gnomAD 0.00002; TOPMed 0.00002; ExAC 0.00003; gnomAD exomes 0.00003 and 0.00010; ESP Exome Variant Server 0.00008.
gnomAD v4.1: 146 of 1,613,332 alleles (0.009%); highest among the groups gnomAD compares: Non-Finnish European, 0.012%; no homozygotes.

Submissions (3):

Genome-Nilou Lab
Classification: Uncertain significance for Luscan-Lumish syndrome. Last evaluated: 2022-03-15. Review status: criteria provided, single submitter. Criteria: ACMG Guidelines, 2015. Collection method: clinical testing. Allele origin: germline. Affected: no.

Labcorp Genetics (formerly Invitae), Labcorp
Classification: Uncertain significance for Luscan-Lumish syndrome. Last evaluated: 2020-06-30. Review status: criteria provided, single submitter. Criteria: Invitae Variant Classification Sherloc (09022015). Collection method: clinical testing. Allele origin: germline.
Comment: In summary, the available evidence is currently insufficient to determine the role of this variant in disease. Therefore, it has been classified as a Variant of Uncertain Significance. Algorithms developed to predict the effect of sequence changes on RNA splicing suggest that this variant may create or strengthen a splice site, but this prediction has not been confirmed by published transcriptional studies. Algorithms developed to predict the effect of missense changes on protein structure and function output the following: SIFT: "Tolerated"; PolyPhen-2: "Benign"; Align-GVGD: "Class C0". The valine amino acid residue is found in multiple mammalian species, suggesting that this missense change does not adversely affect protein function. These predictions have not been confirmed by published functional studies and their clinical significance is uncertain. This variant has not been reported in the literature in individuals with SETD2-related conditions. This variant is present in population databases (rs372547666, ExAC 0.005%). This sequence change replaces leucine with valine at codon 600 of the SETD2 protein (p.Leu600Val). The leucine residue is moderately conserved and there is a small physicochemical difference between leucine and valine.

Genetic Services Laboratory, University of Chicago
Classification: Uncertain significance. Last evaluated: 2018-07-10. Review status: criteria provided, single submitter. Criteria: ACMG Guidelines, 2015. Collection method: clinical testing. Allele origin: germline. Affected: no.